The following is an entry in ClinVar:

ClinVar aggregate classification (germline): Likely pathogenic. Review status: criteria provided, single submitter (1 of 4 stars). 2 submissions from 2 submitters: Likely pathogenic (1). 1 of the submissions does not count toward it. Last evaluated 2024-06-17.

Conditions:
Aplasia cutis-enamel dysplasia syndrome. Identifiers: Orphanet 697356, MedGen C5935608, MONDO:0968978, OMIM 620789.

Submissions (2):

3billion
Classification: Likely pathogenic for Aplasia cutis-enamel dysplasia syndrome. Last evaluated: 2024-06-17. Review status: criteria provided, single submitter. Criteria: ACMG Guidelines, 2015. Collection method: clinical testing. Allele origin: germline. Affected: yes.
Comment: The variant is not observed in the gnomAD v4.0.0 dataset. Predicted Consequence/Location: Stop-gained (nonsense): predicted to result in a loss or disruption of normal protein function through protein truncation. The predicted truncated protein may be shortened by more than 10%. Functional studies provide moderate evidence of the variant having a damaging effect on the gene or gene product (PMID: 36197437). The variant has been reported to be associated with FOSL2 related disorder (PMID: 36197437). Therefore, this variant is classified as Likely pathogenic according to the recommendation of ACMG/AMP guideline.

OMIM
Classification: Pathogenic for APLASIA CUTIS-ENAMEL DYSPLASIA SYNDROME. Last evaluated: 2024-04-18. Review status: no assertion criteria provided. Collection method: literature only. Allele origin: germline. Not counted in ClinVar's aggregate classification.

Literature cited by the submitters: PubMed 36197437 (cited by 3billion and OMIM).

NM_005253.4(FOSL2):c.619C>T (p.Gln207Ter)

Gene: FOSL2 (FOS like 2, AP-1 transcription factor subunit; plus strand). Cytogenetic location: 2p23.2.
Variant type: single nucleotide variant.
Coding change: c.619C>T on transcript NM_005253.4 (MANE Select); coding-DNA position 619, C replaced by T.
Protein change: p.Gln207Ter; replaces glutamine 207 with a stop codon.
Molecular consequence: nonsense.
Genome position (GRCh38, 1-based): chr2:28,412,086, C>T. VCF-style: chr2-28412086-C-T. GRCh37 (hg19) VCF-style: chr2-28634953-C-T.
Other names: short protein forms Q207*.
Identifiers: ClinVar variation 3242358 (VCV003242358.2), dbSNP rs2465329674.
Genomic context (GRCh38, chr2:28,412,086, plus strand): 5'-CACGGCCCAGTGTGCAAGATTAGCCCCGAGGAGCGCCGATCGCCCCCAGCCCCTGGGCTG[C>T]AGCCCATGCGCAGTGGGGGTGGCTCGGTGGGCGCTGTAGTGGTGAAACAGGAGCCCCTGG-3'